The following is an entry in ClinVar:

NM_020831.6(MRTFA):c.1433G>A (p.Arg478Gln)

Gene: MRTFA (myocardin related transcription factor A; minus strand). Cytogenetic location: 22q13.1.
Variant type: single nucleotide variant.
Coding change: c.1433G>A on transcript NM_020831.6 (MANE Select); coding-DNA position 1433, G replaced by A.
Protein change: p.Arg478Gln; replaces arginine 478 with glutamine.
Molecular consequence: missense variant.
Genome position (GRCh38, 1-based): chr22:40,419,305, C>T on the plus strand (G>A on the coding strand, the complement: MRTFA is on the minus strand). VCF-style: chr22-40419305-C-T. GRCh37 (hg19) VCF-style: chr22-40815309-C-T.
Other names: c.1133G>A (NM_020831.3); c.1133G>A, p.Arg378Gln (NM_001282660.2); c.1283G>A, p.Arg428Gln (NM_001282661.3); c.1433G>A, p.Arg478Gln (NM_001282662.3); c.1238G>A, p.Arg413Gln (NM_001318139.2); short protein forms R378Q, R413Q, R428Q, R478Q.
Identifiers: ClinVar variation 1683083 (VCV001683083.11), dbSNP rs138830176, ClinGen allele CA10249670.

ClinVar aggregate classification (germline): Uncertain significance. Review status: criteria provided, multiple submitters, no conflicts (2 of 4 stars). 3 submissions from 3 submitters: Uncertain significance (3). Last evaluated 2025-12-09.

Allele frequency attached by ClinVar (database versions not stated): gnomAD exomes 0.00003 and 0.00010; ExAC 0.00012; gnomAD 0.00023 and 0.00025; TOPMed 0.00027; ESP Exome Variant Server 0.00046.
gnomAD v4.1: 82 of 1,613,840 alleles (0.0051%); highest among the groups gnomAD compares: African/African-American, 0.065%; no homozygotes.

Submissions (3):

Labcorp Genetics (formerly Invitae), Labcorp
Classification: Uncertain significance. Last evaluated: 2025-12-09. Review status: criteria provided, single submitter. Criteria: Invitae Variant Classification Sherloc (09022015). Collection method: clinical testing. Allele origin: germline.
Comment: This sequence change replaces arginine, which is basic and polar, with glutamine, which is neutral and polar, at codon 378 of the MKL1 protein (p.Arg378Gln). This variant is present in population databases (rs138830176, gnomAD 0.08%), and has an allele count higher than expected for a pathogenic variant. This variant has not been reported in the literature in individuals affected with MKL1-related conditions. ClinVar contains an entry for this variant (Variation ID: 1683083). An algorithm developed to predict the effect of missense changes on protein structure and function (PolyPhen-2) suggests that this variant is likely to be disruptive. In summary, the available evidence is currently insufficient to determine the role of this variant in disease. Therefore, it has been classified as a Variant of Uncertain Significance.

Ambry Genetics
Classification: Uncertain significance. Last evaluated: 2023-08-18. Review status: criteria provided, single submitter. Criteria: Ambry Variant Classification Scheme 2023. Collection method: clinical testing. Allele origin: germline.

Breakthrough Genomics
Classification: Uncertain significance. Review status: criteria provided, single submitter. Criteria: ACMG Guidelines, 2015. Collection method: not provided. Allele origin: germline. Inheritance: Autosomal dominant inheritance. Affected: yes.